The following is an entry in ClinVar:

ClinVar aggregate classification (germline): Uncertain significance (1 of 4 stars; one submission).

Allele frequency attached by ClinVar (database versions not stated): gnomAD exomes below 0.00001.
gnomAD v4.1: 3 of 1,612,894 alleles (0.00019%); highest among the groups gnomAD compares: Non-Finnish European, 0.00025%; no homozygotes.

Submission:

Labcorp Genetics (formerly Invitae), Labcorp
Classification: Uncertain significance. Last evaluated: 2022-07-27. Review status: criteria provided, single submitter. Criteria: Invitae Variant Classification Sherloc (09022015). Collection method: clinical testing. Allele origin: germline.
Comment: This sequence change replaces methionine, which is neutral and non-polar, with threonine, which is neutral and polar, at codon 3987 of the PCLO protein (p.Met3987Thr). This variant is present in population databases (no rsID available, gnomAD 0.0009%). This variant has not been reported in the literature in individuals affected with PCLO-related conditions. Algorithms developed to predict the effect of missense changes on protein structure and function are either unavailable or do not agree on the potential impact of this missense change (SIFT: "Deleterious"; PolyPhen-2: "Not Available"; Align-GVGD: "Class C0"). In summary, the available evidence is currently insufficient to determine the role of this variant in disease. Therefore, it has been classified as a Variant of Uncertain Significance.

NM_033026.6(PCLO):c.11960T>C (p.Met3987Thr)

Gene: PCLO (piccolo presynaptic cytomatrix protein; minus strand). Cytogenetic location: 7q21.11.
Variant type: single nucleotide variant.
Coding change: c.11960T>C on transcript NM_033026.6 (MANE Select); coding-DNA position 11960, T replaced by C.
Protein change: p.Met3987Thr; replaces methionine 3987 with threonine.
Molecular consequence: missense variant.
Genome position (GRCh38, 1-based): chr7:82,916,026, A>G on the plus strand (T>C on the coding strand, the complement: PCLO is on the minus strand). VCF-style: chr7-82916026-A-G. GRCh37 (hg19) VCF-style: chr7-82545342-A-G.
Other names: c.11960T>C, p.Met3987Thr (NM_014510.3); short protein forms M3987T.
Identifiers: ClinVar variation 2013434 (VCV002013434.1), dbSNP rs1299069776, ClinGen allele CA367890805.